The following is an entry in ClinVar:

NM_021975.4(RELA):c.1042C>G (p.Pro348Ala)

Gene: RELA (RELA proto-oncogene, NF-kB subunit; minus strand). Cytogenetic location: 11q13.1.
Variant type: single nucleotide variant.
Coding change: c.1042C>G on transcript NM_021975.4 (MANE Select); coding-DNA position 1042, C replaced by G.
Protein change: p.Pro348Ala; replaces proline 348 with alanine.
Molecular consequence: missense variant. On other transcripts: intron variant (1).
Genome position (GRCh38, 1-based): chr11:65,654,992, G>C on the plus strand (C>G on the coding strand, the complement: RELA is on the minus strand). VCF-style: chr11-65654992-G-C. GRCh37 (hg19) VCF-style: chr11-65422463-G-C.
Other names: c.1033C>G, p.Pro345Ala (NM_001145138.2); c.1042C>G, p.Pro348Ala (NM_001243985.2); c.1075C>G, p.Pro359Ala (NM_001404657.1); c.1015C>G, p.Pro339Ala (NM_001404658.1); c.829C>G, p.Pro277Ala (NM_001404659.1); c.724C>G, p.Pro242Ala (NM_001404660.1); c.661C>G, p.Pro221Ala (NM_001404661.1); c.949C>G, p.Pro317Ala (NM_001404662.1, NM_001404663.1); and 1 more; short protein forms P317A, P345A, P339A, P359A, P221A, P242A, P277A, P348A.
Identifiers: ClinVar variation 1943693 (VCV001943693.5), dbSNP rs1196154107, ClinGen allele CA381388430.

ClinVar aggregate classification (germline): Uncertain significance (1 of 4 stars; one submission).

Allele frequency attached by ClinVar (database versions not stated): gnomAD exomes below 0.00001; TOPMed below 0.00001.
gnomAD v4.1: 5 of 1,596,676 alleles (0.00031%); highest among the groups gnomAD compares: Non-Finnish European, 0.00043%; no homozygotes.

Submission:

Labcorp Genetics (formerly Invitae), Labcorp
Classification: Uncertain significance. Last evaluated: 2024-06-19. Review status: criteria provided, single submitter. Criteria: Invitae Variant Classification Sherloc (09022015). Collection method: clinical testing. Allele origin: germline.
Comment: This sequence change replaces proline, which is neutral and non-polar, with alanine, which is neutral and non-polar, at codon 348 of the RELA protein (p.Pro348Ala). This variant is not present in population databases (gnomAD no frequency). This variant has not been reported in the literature in individuals affected with RELA-related conditions. ClinVar contains an entry for this variant (Variation ID: 1943693). An algorithm developed to predict the effect of missense changes on protein structure and function (PolyPhen-2) suggests that this variant is likely to be tolerated. In summary, the available evidence is currently insufficient to determine the role of this variant in disease. Therefore, it has been classified as a Variant of Uncertain Significance.